The following is an entry in ClinVar:

NM_004304.5(ALK):c.2470G>A (p.Ala824Thr)

Gene: ALK (ALK receptor tyrosine kinase; minus strand). Cytogenetic location: 2p23.2.
Variant type: single nucleotide variant.
Coding change: c.2470G>A on transcript NM_004304.5 (MANE Select); coding-DNA position 2470, G replaced by A.
Protein change: p.Ala824Thr; replaces alanine 824 with threonine.
Molecular consequence: missense variant.
Genome position (GRCh38, 1-based): chr2:29,233,582, C>T on the plus strand (G>A on the coding strand, the complement: ALK is on the minus strand). VCF-style: chr2-29233582-C-T. GRCh37 (hg19) VCF-style: chr2-29456448-C-T.
Other names: short protein forms A824T.
Identifiers: ClinVar variation 4869640 (VCV004869640.1).

ClinVar aggregate classification (germline): Uncertain significance (1 of 4 stars; one submission).

Conditions:
Hereditary cancer-predisposing syndrome. Also called: Neoplastic Syndromes, Hereditary; Tumor predisposition; Hereditary Cancer Syndrome; Hereditary neoplastic syndrome. Identifiers: Orphanet 140162, MedGen C0027672, MeSH D009386, MONDO:0015356.

Submission:

Ambry Genetics
Classification: Uncertain significance for Hereditary cancer-predisposing syndrome. Last evaluated: 2026-04-30. Review status: criteria provided, single submitter. Criteria: Ambry Variant Classification Scheme 2023. Collection method: clinical testing. Allele origin: germline.
Comment: The p.A824T variant (also known as c.2470G>A), located in coding exon 14 of the ALK gene, results from a G to A substitution at nucleotide position 2470. The alanine at codon 824 is replaced by threonine, an amino acid with similar properties. This amino acid position is highly conserved in available vertebrate species. In addition, this alteration is predicted to be tolerated by in silico analysis. Based on the available evidence, the clinical significance of this variant remains unclear.